The following is an entry in ClinVar:

NM_001846.4(COL4A2):c.5104A>C (p.Ile1702Leu)

Gene: COL4A2 (collagen type IV alpha 2 chain; plus strand). Cytogenetic location: 13q34.
Variant type: single nucleotide variant.
Coding change: c.5104A>C on transcript NM_001846.4 (MANE Select); coding-DNA position 5104, A replaced by C.
Protein change: p.Ile1702Leu; replaces isoleucine 1702 with leucine.
Molecular consequence: missense variant.
Genome position (GRCh38, 1-based): chr13:110,512,156, A>C. VCF-style: chr13-110512156-A-C. GRCh37 (hg19) VCF-style: chr13-111164503-A-C.
Other names: short protein forms I1702L.
Identifiers: ClinVar variation 5002694 (VCV005002694.1).
Genomic context (GRCh38, chr13:110,512,156, plus strand): 5'-CAGAGCTTCCAGGGCTCGCCCTCCGCCGACACGCTCAAGGCCGGCCTCATCCGCACACAC[A>C]TCAGCCGCTGCCAGGTGTGCATGAAGAACCTGTGAGCCGGCGCGTGCCAGGAAGGGCCAT-3'
Protein context (NP_001837.2, residues 1692-1712): TLKAGLIRTH[Ile1702Leu]SRCQVCMKNL

ClinVar aggregate classification (germline): Uncertain significance (1 of 4 stars; one submission).

Conditions:
Brain small vessel disease 2A, autosomal dominant. Also called: Porencephaly 2. Identifiers: Orphanet 2940, Orphanet 99810, MedGen C3280970, MONDO:0013773, OMIM 614483.

Submission:

OLLIN Analises Genomicas, OLLIN
Classification: Uncertain significance for Brain small vessel disease 2A, autosomal dominant. Last evaluated: 2026-08-06. Review status: criteria provided, single submitter. Criteria: ACMG Guidelines 2015 PMID 25741868. Collection method: clinical testing. Allele origin: germline. Inheritance: Autosomal dominant inheritance.
Comment: This missense variant, located in exon 48 (of 48), is absent from gnomAD and ClinVar and has not been identified in the literature. In silico analysis predicts that this variant has a deleterious effect. According to the currently available evidence, this variant has been classified as uncertain significance (PM2_P, PP3).